The following is an entry in ClinVar:

NM_001330078.2(NRXN1):c.285dup (p.Phe96fs)

Gene: NRXN1 (neurexin 1; minus strand). Cytogenetic location: 2p16.3.
Variant type: Duplication.
Coding change: c.285dup on transcript NM_001330078.2 (MANE Select); coding-DNA position 285, one base duplicated (C; older notation c.285dupC).
Protein change: p.Phe96fs; shifts the reading frame from phenylalanine 96.
Molecular consequence: frameshift variant.
Genome position (GRCh38, 1-based): chr2:51,027,989, G duplicated on the plus strand (C on the coding strand, the reverse complement: NRXN1 is on the minus strand). VCF-style (leftmost placement, unchanged base first): chr2-51027988-A-AG. GRCh37 (hg19) VCF-style: chr2-51255126-A-AG.
Other names: c.285dup, p.Phe96fs (NM_001135659.3, NM_001330077.2, NM_001330079.2 and 15 more transcripts); short protein forms F96fs.
Identifiers: ClinVar variation 2757948 (VCV002757948.3), dbSNP rs2468080963, ClinGen allele CA2697548171.
Genomic context (GRCh38, chr2:51,027,988, plus strand): 5'-TGTGCCAGGCGCCGTCGTTAACCGGCGTGTCGGCCAGGAGCGTCGCAGGCTCAGCGCAGA[A>AG]GATGGAGAAGCTGAGCTGCAGGCGGCCGCCGCGCGTCAGAATCAGCTCCAGGAAGTCGCA-3'

ClinVar aggregate classification (germline): Pathogenic (1 of 4 stars; one submission).

Conditions:
Pitt-Hopkins-like syndrome 2 (PTHSL2). Identifiers: Orphanet 221150, Orphanet 600663, MedGen C3280479, MONDO:0013690, OMIM 614325.

Submission:

Labcorp Genetics (formerly Invitae), Labcorp
Classification: Pathogenic for Pitt-Hopkins-like syndrome 2. Last evaluated: 2023-09-04. Review status: criteria provided, single submitter. Criteria: Invitae Variant Classification Sherloc (09022015). Collection method: clinical testing. Allele origin: germline.
Comment: For these reasons, this variant has been classified as Pathogenic. This variant has not been reported in the literature in individuals affected with NRXN1-related conditions. This variant is not present in population databases (gnomAD no frequency). This sequence change creates a premature translational stop signal (p.Phe96Leufs*4) in the NRXN1 gene. It is expected to result in an absent or disrupted protein product. Loss-of-function variants in NRXN1 are known to be pathogenic (PMID: 19896112, 21964664, 23495017, 23533028, 25149956, 30031152).

Literature cited by the submitters: PubMed 19896112; PubMed 21964664; PubMed 23495017; PubMed 23533028; PubMed 25149956; PubMed 30031152.